The following continues an entry in ClinVar:

NM_003119.4(SPG7):c.1053dup (p.Gly352fs)

Gene: SPG7. ClinVar aggregate classification (germline): Pathogenic. Pathogenic (17).

Submissions 15 to 20 of 20:

Genetic Services Laboratory, University of Chicago
Classification: Pathogenic. Last evaluated: 2018-04-17. Review status: criteria provided, single submitter. Criteria: ACMG Guidelines, 2015. Collection method: clinical testing. Allele origin: germline. Affected: yes.

Eurofins Ntd Llc (ga)
Classification: Pathogenic. Last evaluated: 2018-01-02. Review status: criteria provided, single submitter. Criteria: EGL Classification Definitions 2015. Collection method: clinical testing. Allele origin: germline. Observed: 1 variant allele, 1 heterozygote.

Laboratory for Molecular Medicine, Mass General Brigham Personalized Medicine
Classification: Pathogenic for Hereditary spastic paraplegia. Last evaluated: 2017-08-02. Review status: criteria provided, single submitter. Criteria: LMM Criteria. Collection method: clinical testing. Allele origin: germline. Inheritance: Autosomal recessive inheritance. Observed: 1 variant allele.
Comment: The p.Gly352ArgfsX44 (NM_003119.2 c.1053dup) (also referred to as c.1053_1054ins C or c.1047insC in the literature) variant in SPG7 has been reported in 7 compou nd heterozygous and 2 homozygous individuals with clinical diagnosis of heredita ry spastic paraplegia or ataxia, and segregated in two affected homozygous sibli ngs in one family (Tzoulis 2008, Klebe 2012, van Gassen 2012, Yoon 2013, Pfeffer 2015, Rydning 2016). This variant has also been reported in ClinVar (Variation ID#411675) as pathogenic by one laboratory. It has been identified in 23/125,780 European chromosomes by the Genome Aggregation Database (rs760818649). This variant is predicted to cause a frameshift, which alters the protein?s amino acid sequence beginning at position 352 and leads to a premature termination codon 44 amino acids downstream. This alteration is the n predicted to lead to a truncated or absent protein. Biallelic loss of function of the SPG7 gene has been associated with hereditary spastic paraplegia. In sum mary, the p.Gly352ArgfsX44 variant meets criteria to be classified as pathogenic for hereditary spastic paraplegia in an autosomal recessive manner based on its biallelic occurrence in individuals with this disease and its predicted null ef fect.

Solve-RD Consortium
Classification: Likely pathogenic for Hereditary spastic paraplegia 7. Last evaluated: 2022-06-01. Review status: no assertion criteria provided. Collection method: provider interpretation. Allele origin: inherited. Affected: yes. Not counted in ClinVar's aggregate classification.
Comment: Variant confirmed as disease-causing by referring clinical team

Variant identified during reanalysis of unsolved cases by the Solve-RD project. The Solve-RD project has received funding from the European Union’s Horizon 2020 research and innovation programme under grant agreement No 779257.

GeneReviews
No classification provided. Condition: Hereditary spastic paraplegia 7. Review status: no classification provided. Collection method: literature only. Allele origin: germline. Not counted in ClinVar's aggregate classification.

Genomics England Pilot Project, Genomics England
Classification: Pathogenic for Hereditary spastic paraplegia 7. Review status: no assertion criteria provided. Criteria: ACGS Guidelines, 2016. Collection method: clinical testing. Allele origin: germline. Affected: yes. Not counted in ClinVar's aggregate classification.

Literature cited by the submitters: PubMed 31854126 (cited by Victorian Clinical Genetics Services, Murdoch Childrens Research Institute); PubMed 32548275 (cited by Victorian Clinical Genetics Services, Murdoch Childrens Research Institute); PubMed 21623769 (cited by Labcorp Genetics (formerly Invitae), Labcorp); PubMed 22964162 (cited by Labcorp Genetics (formerly Invitae), Labcorp); PubMed 18563470 (cited by 5 submitters); PubMed 23065789 (cited by 4 submitters); PubMed 23733235 (cited by Labcorp Genetics (formerly Invitae), Labcorp and Laboratory for Molecular Medicine, Mass General Brigham Personalized Medicine); PubMed 24727571 (cited by Labcorp Genetics (formerly Invitae), Labcorp and Molecular Genetics, Royal Melbourne Hospital); PubMed 25681447 (cited by 5 submitters); PubMed 26756429 (cited by 3billion and Laboratory for Molecular Medicine, Mass General Brigham Personalized Medicine); PubMed 20301286 (cited by Molecular Genetics, Royal Melbourne Hospital); PubMed 25976027 (cited by Molecular Genetics, Royal Melbourne Hospital); PubMed 27957547 (cited by Molecular Genetics, Royal Melbourne Hospital and Laboratory for Molecular Medicine, Mass General Brigham Personalized Medicine); PubMed 28444220 (cited by Molecular Genetics, Royal Melbourne Hospital); PubMed 39825153 (cited by Solve-RD Consortium).